The following is an entry in ClinVar:

NM_001042492.3(NF1):c.5295T>G (p.Thr1765=)

Gene: NF1 (neurofibromin 1; plus strand). Cytogenetic location: 17q11.2.
Variant type: single nucleotide variant.
Coding change: c.5295T>G on transcript NM_001042492.3 (MANE Select); coding-DNA position 5295, T replaced by G.
Protein change: p.Thr1765=; no amino-acid change (threonine 1765 retained).
Molecular consequence: synonymous variant.
Genome position (GRCh38, 1-based): chr17:31,327,525, T>G. VCF-style: chr17-31327525-T-G. GRCh37 (hg19) VCF-style: chr17-29654543-T-G.
Other names: c.5232T>G, p.Thr1744= (NM_000267.4).
Identifiers: ClinVar variation 4875898 (VCV004875898.1).

ClinVar aggregate classification (germline): Benign (1 of 4 stars; one submission).

Conditions:
Neurofibromatosis, type 1 (NF1). Also called: VON RECKLINGHAUSEN DISEASE; NEUROFIBROMATOSIS, TYPE I, SOMATIC; Peripheral type neurofibromatosis; Neurofibromatosis, type I. Identifiers: Orphanet 636, MedGen C0027831, MONDO:0018975, OMIM 162200. Disease mechanism: loss of function.

gnomAD v4.1: 1 of 1,613,940 alleles (0.000062%); highest among the groups gnomAD compares: East Asian, 0.0022%; no homozygotes.

Submission:

Myriad Genetics, Inc.
Classification: Benign for Neurofibromatosis, type 1. Last evaluated: 2026-05-20. Review status: criteria provided, single submitter. Criteria: Myriad Autosomal Dominant, Autosomal Recessive and X-Linked Classification Criteria (2023). Collection method: clinical testing. Allele origin: unknown.
Comment: This variant is considered benign. This variant is a silent/synonymous amino acid change and it is not expected to impact splicing.